The following is an entry in ClinVar:

NM_001099922.3(ALG13):c.2781A>C (p.Pro927=)

Gene: ALG13 (ALG13 UDP-N-acetylglucosaminyltransferase subunit; plus strand). Cytogenetic location: Xq23.
Variant type: single nucleotide variant.
Coding change: c.2781A>C on transcript NM_001099922.3 (MANE Select); coding-DNA position 2781, A replaced by C.
Protein change: p.Pro927=; no amino-acid change (proline 927 retained).
Molecular consequence: synonymous variant. On other transcripts: intron variant (5).
Genome position (GRCh38, 1-based): chrX:111,744,753, A>C. VCF-style: chrX-111744753-A-C. GRCh37 (hg19) VCF-style: chrX-110987981-A-C.
Other names: c.2547A>C, p.Pro849= (NM_001257231.2); c.2383+7874A>C (NM_001257237.2, NM_001257234.2, NM_001257230.2); c.2209+7874A>C (NM_001324293.1); c.2695+7874A>C (NM_001324292.2).
Identifiers: ClinVar variation 718111 (VCV000718111.33), dbSNP rs147870070, ClinGen allele CA334445774.
Genomic context (GRCh38, chrX:111,744,753, plus strand): 5'-CCATTCTGCTATTCCTCATGCTGGTGCCTCTCTACCACCACCACCACCACCACCACCACC[A>C]CCACCACCACCACCACCTCCTCCTCCTCCTCCTCCTCCTCCTCCTCCTCCTCCTGCTCTT-3'
Protein context (NP_001093392.1, residues 917-937): SLPPPPPPPP[Pro927=]PPPPPPPPPP

ClinVar aggregate classification (germline): Likely benign. Review status: criteria provided, multiple submitters, no conflicts (2 of 4 stars). 4 submissions from 4 submitters: Likely benign (3). 1 of the submissions does not count toward it. Last evaluated 2026-02-03.

Conditions:
ALG13-related disorder. Also called: ALG13-related condition.
Developmental and epileptic encephalopathy, 36 (DEE36). Also called: Congenital disorder of glycosylation, type Is; Epileptic encephalopathy, early infantile, 36; ALG13-CDG. Identifiers: Orphanet 324422, MedGen C4317295, MONDO:0010472, OMIM 300884.

Submissions (4):

Labcorp Genetics (formerly Invitae), Labcorp
Classification: Likely benign for Developmental and epileptic encephalopathy, 36. Last evaluated: 2026-02-03. Review status: criteria provided, single submitter. Criteria: Invitae Variant Classification Sherloc (09022015). Collection method: clinical testing. Allele origin: germline.

Blueprint Genetics
Classification: Likely benign. Last evaluated: 2024-11-28. Review status: criteria provided, single submitter. Criteria: ACMG Guidelines, 2015. Collection method: clinical testing. Allele origin: germline.

CeGaT Center for Human Genetics Tuebingen
Classification: Likely benign. Last evaluated: 2024-04-01. Review status: criteria provided, single submitter. Criteria: CeGaT Center For Human Genetics Tuebingen Variant Classification Criteria Version 2. Collection method: clinical testing. Allele origin: germline. Affected: yes. Observed: 1 variant allele.
Comment: ALG13: BP4, BP7

PreventionGenetics, part of Exact Sciences
Classification: Likely benign for ALG13-related condition. Last evaluated: 2019-05-10. Review status: no assertion criteria provided. Collection method: clinical testing. Allele origin: germline. Not counted in ClinVar's aggregate classification.
Comment: This variant is classified as likely benign based on ACMG/AMP sequence variant interpretation guidelines (Richards et al. 2015 PMID: 25741868, with internal and published modifications).